The following is an entry in ClinVar:

ClinVar aggregate classification (germline): Uncertain significance (1 of 4 stars; one submission).

Conditions:
Microphthalmia, isolated, with coloboma 6 (MCOPCB6). Also called: MICROPHTHALMIA/COLOBOMA 6; Microphthalmia with coloboma 6, digenic; Microphthalmia with coloboma 6. Identifiers: Orphanet 98938, MedGen C3150968, MONDO:0013376, OMIM 613703.
Klippel-Feil syndrome 1, autosomal dominant (KFS1). Also called: CERVICAL VERTEBRAL FUSION, AUTOSOMAL DOMINANT. Identifiers: Orphanet 2345, MedGen C1861689, MONDO:0007306, OMIM 118100.
Isolated microphthalmia 4. Identifiers: Orphanet 2542, MedGen C2751307, MONDO:0013130, OMIM 613094.
Leber congenital amaurosis 17 (LCA17). Identifiers: Orphanet 65, MedGen C3715164, MONDO:0014145, OMIM 615360.

Allele frequency attached by ClinVar (database versions not stated): gnomAD exomes below 0.00001; TOPMed 0.00001.
gnomAD v4.1: 6 of 1,500,292 alleles (0.0004%); highest among the groups gnomAD compares: Non-Finnish European, 0.00053%; no homozygotes.

Submission:

Labcorp Genetics (formerly Invitae), Labcorp
Classification: Uncertain significance for Isolated microphthalmia 4; Leber congenital amaurosis 17; Klippel-Feil syndrome 1, autosomal dominant; Microphthalmia, isolated, with coloboma 6. Last evaluated: 2024-02-15. Review status: criteria provided, single submitter. Criteria: Invitae Variant Classification Sherloc (09022015). Collection method: clinical testing. Allele origin: germline.
Comment: This sequence change replaces alanine, which is neutral and non-polar, with threonine, which is neutral and polar, at codon 245 of the GDF6 protein (p.Ala245Thr). This variant is not present in population databases (gnomAD no frequency). This variant has not been reported in the literature in individuals affected with GDF6-related conditions. ClinVar contains an entry for this variant (Variation ID: 2153379). Algorithms developed to predict the effect of missense changes on protein structure and function output the following: SIFT: "Not Available"; PolyPhen-2: "Benign"; Align-GVGD: "Not Available". The threonine amino acid residue is found in multiple mammalian species, which suggests that this missense change does not adversely affect protein function. In summary, the available evidence is currently insufficient to determine the role of this variant in disease. Therefore, it has been classified as a Variant of Uncertain Significance.

NM_001001557.4(GDF6):c.733G>A (p.Ala245Thr)

Gene: GDF6 (growth differentiation factor 6; minus strand). Cytogenetic location: 8q22.1.
Variant type: single nucleotide variant.
Coding change: c.733G>A on transcript NM_001001557.4 (MANE Select); coding-DNA position 733, G replaced by A.
Protein change: p.Ala245Thr; replaces alanine 245 with threonine.
Molecular consequence: missense variant.
Genome position (GRCh38, 1-based): chr8:96,145,198, C>T on the plus strand (G>A on the coding strand, the complement: GDF6 is on the minus strand). VCF-style: chr8-96145198-C-T. GRCh37 (hg19) VCF-style: chr8-97157426-C-T.
Other names: short protein forms A245T.
Identifiers: ClinVar variation 2153379 (VCV002153379.4), dbSNP rs780178598, ClinGen allele CA4815420.